The following is an entry in ClinVar:

NM_005632.3(CAPN15):c.1957G>A (p.Gly653Ser)

Gene: CAPN15 (calpain 15; plus strand). Cytogenetic location: 16p13.3.
Variant type: single nucleotide variant.
Coding change: c.1957G>A on transcript NM_005632.3 (MANE Select); coding-DNA position 1957, G replaced by A.
Protein change: p.Gly653Ser; replaces glycine 653 with serine.
Molecular consequence: missense variant.
Genome position (GRCh38, 1-based): chr16:549,729, G>A. VCF-style: chr16-549729-G-A. GRCh37 (hg19) VCF-style: chr16-599729-G-A.
Other names: short protein forms G653S.
Identifiers: ClinVar variation 3376853 (VCV003376853.1).

ClinVar aggregate classification (germline): Likely pathogenic (1 of 4 stars; one submission).

Conditions:
Oculogastrointestinal-neurodevelopmental syndrome. Identifiers: Orphanet 611201, MedGen C5543355, MONDO:0036189, OMIM 619318.

gnomAD v4.1: 2 of 1,579,836 alleles (0.00013%); highest among the groups gnomAD compares: Non-Finnish European, 0.000086%; no homozygotes.

Submission:

Victorian Clinical Genetics Services, Murdoch Childrens Research Institute
Classification: Likely pathogenic for Oculogastrointestinal-neurodevelopmental syndrome. Last evaluated: 2024-10-09. Review status: criteria provided, single submitter. Criteria: ACMG Guidelines, 2015. Collection method: clinical testing. Allele origin: germline. Inheritance: Autosomal recessive inheritance. Affected: yes.
Comment: Based on the classification scheme VCGS_Germline_v1.3.4, this variant is classified as Likely pathogenic. Following criteria are met: 0102 - Loss of function is a known mechanism of disease in this gene and is associated with oculogastrointestinal neurodevelopmental syndrome (MIM#619318). (I) 0106 - This gene is associated with autosomal recessive disease. (I) 0200 - Variant is predicted to result in a missense amino acid change from glycine to serine. (I) 0253 - This variant is hemizygous. (I) 0301 - Variant is absent from gnomAD (both v2 and v3). (SP) 0309 - An alternative amino acid change at the same position has been observed in gnomAD (v3) (1 heterozygote, 0 homozygotes). (I) 0501 - Missense variant consistently predicted to be damaging by multiple in silico tools or highly conserved with a major amino acid change. (SP) 0600 - Variant is located in the annotated peptidase C2 domain (DECIPHER). (I) 0705 - No comparable missense variants have previous evidence for pathogenicity. (I) 0807 - This variant has no previous evidence of pathogenicity. (I) 0905 - No published segregation evidence has been identified for this variant. (I) 1007 - No published functional evidence has been identified for this variant. (I) 1102 - Strong phenotype match for this individual. (SP) 1201 - Heterozygous variant detected in trans with a pathogenic variant in a recessive disease. A deletion on 16p13.3 spanning CAPN15 was identified on microarray. (I) Legend: (SP) - Supporting pathogenic, (I) - Information, (SB) - Supporting benign